The following is an entry in ClinVar:

NM_000540.3(RYR1):c.12047T>C (p.Leu4016Pro)

Gene: RYR1 (ryanodine receptor 1; plus strand). Cytogenetic location: 19q13.2.
Variant type: single nucleotide variant.
Coding change: c.12047T>C on transcript NM_000540.3 (MANE Select); coding-DNA position 12047, T replaced by C.
Protein change: p.Leu4016Pro; replaces leucine 4016 with proline.
Molecular consequence: missense variant.
Genome position (GRCh38, 1-based): chr19:38,546,479, T>C. VCF-style: chr19-38546479-T-C. GRCh37 (hg19) VCF-style: chr19-39037119-T-C.
Other names: c.12032T>C, p.Leu4011Pro (NM_001042723.2); short protein forms L4011P, L4016P.
Identifiers: ClinVar variation 930322 (VCV000930322.3), dbSNP rs1972430121, ClinGen allele CA405663900.
Genomic context (GRCh38, chr19:38,546,479, plus strand): 5'-AGCCCTCACCGAGCTGGGATCTCTAGGACTCAAGCCAGATCGAGCTGCTGAAGGAGCTGC[T>C]GGATCTGCAGAAGGACATGGTGGTGATGTTGCTGTCGCTACTAGAAGGTAAACACCCAGG-3'
Protein context (NP_000531.2, residues 4006-4026): SSQIELLKEL[Leu4016Pro]DLQKDMVVML

ClinVar aggregate classification (germline): Uncertain significance (1 of 4 stars; one submission).

Conditions:
Congenital myopathy with fiber type disproportion. Also called: Congenital fiber-type disproportion; Congenital fiber-type disproportion myopathy. Identifiers: Orphanet 2020, MedGen C0546264, MONDO:0009711. Inheritance: all.

Submission:

Centre for Mendelian Genomics, University Medical Centre Ljubljana
Classification: Uncertain significance for Congenital myopathy 4A, autosomal dominant. Last evaluated: 2019-01-15. Review status: criteria provided, single submitter. Criteria: ACMG Guidelines, 2015. Collection method: clinical testing. Allele origin: unknown. Affected: yes.
Comment: This variant was classified as: Uncertain significance. The available evidence on this variant's pathogenicity is insufficient or conflicting. The following ACMG criteria were applied in classifying this variant: PM2,PP2,PP3.